The following is an entry in ClinVar:

NM_000260.4(MYO7A):c.6355C>A (p.Gln2119Lys)

Gene: MYO7A (myosin VIIA; plus strand). Cytogenetic location: 11q13.5.
Variant type: single nucleotide variant.
Coding change: c.6355C>A on transcript NM_000260.4 (MANE Select); coding-DNA position 6355, C replaced by A.
Protein change: p.Gln2119Lys; replaces glutamine 2119 with lysine.
Molecular consequence: missense variant.
Genome position (GRCh38, 1-based): chr11:77,212,952, C>A. VCF-style: chr11-77212952-C-A. GRCh37 (hg19) VCF-style: chr11-76923997-C-A.
Other names: c.6235C>A, p.Gln2079Lys (NM_001127180.2); c.6208C>A, p.Gln2070Lys (NM_001369365.1); short protein forms Q2070K, Q2079K, Q2119K.
Identifiers: ClinVar variation 1027564 (VCV001027564.3), dbSNP rs1957972101, ClinGen allele CA381937455.
Genomic context (GRCh38, chr11:77,212,952, plus strand): 5'-TCCCCAAATGCTTTTCTTGCTCTGGGCCCCCATCTGATGCCTTCTCATCTTTTTTTCTAG[C>A]AAACTACGGAGCCAAACTTCCCTGAGATCCTCCTAATTGCCATCAACAAGTATGGGGTCA-3'
Protein context (NP_000251.3, residues 2109-2129): TFGSAFFEVK[Gln2119Lys]TTEPNFPEIL

ClinVar aggregate classification (germline): Uncertain significance (1 of 4 stars; one submission).

Conditions:
Childhood onset hearing loss.

Allele frequency attached by ClinVar (database versions not stated): gnomAD exomes below 0.00001.
gnomAD v4.1: 1 of 1,589,822 alleles (0.000063%); highest among the groups gnomAD compares: Non-Finnish European, 0.000086%; no homozygotes.

Submission:

National Institute on Deafness and Communication Disorders, National Institutes of Health
Classification: Uncertain significance for Childhood onset hearing loss. Last evaluated: 2021-07-08. Review status: criteria provided, single submitter. Criteria: ClinGen HL ACMG Specifications v1. Collection method: research. Allele origin: germline. Inheritance: Autosomal recessive inheritance. Affected: yes. Observed: 1 heterozygote. Segregation with disease not observed.
Comment: PM2, PM5, PP3 / Modifications from PMID: 30311386 for classification: The genetic causes of hearing loss have not yet been well characterized in the Yoruba population, and the information regarding variant MAF in this population is still limited, so we did not exclude any variant based on their "high" MAF. PP3 criteria was applied even if the REVEL score was below 0.7, if at least two of the pathogenicity prediction algorithms used predicted that the variant was damaging or likely damaging.

was found associated in cis with NM_000260.4:c.5522C>T; was found associated with NM_000260.4:c.133-3C>A